The following is an entry in ClinVar:

NM_031935.3(HMCN1):c.13642G>A (p.Gly4548Ser)

Gene: HMCN1 (hemicentin 1; plus strand). Cytogenetic location: 1q31.1.
Variant type: single nucleotide variant.
Coding change: c.13642G>A on transcript NM_031935.3 (MANE Select); coding-DNA position 13642, G replaced by A.
Protein change: p.Gly4548Ser; replaces glycine 4548 with serine.
Molecular consequence: missense variant.
Genome position (GRCh38, 1-based): chr1:186,137,557, G>A. VCF-style: chr1-186137557-G-A. GRCh37 (hg19) VCF-style: chr1-186106689-G-A.
Other names: short protein forms G4548S.
Identifiers: ClinVar variation 1956868 (VCV001956868.5), dbSNP rs780619432, ClinGen allele CA1294706.

ClinVar aggregate classification (germline): Uncertain significance (1 of 4 stars; one submission).

Allele frequency attached by ClinVar (database versions not stated): TOPMed below 0.00001; ExAC 0.00001; gnomAD exomes 0.00001.
gnomAD v4.1: 8 of 1,613,862 alleles (0.0005%); highest among the groups gnomAD compares: African/African-American, 0.0027%; no homozygotes.

Submission:

Labcorp Genetics (formerly Invitae), Labcorp
Classification: Uncertain significance. Last evaluated: 2022-01-16. Review status: criteria provided, single submitter. Criteria: Invitae Variant Classification Sherloc (09022015). Collection method: clinical testing. Allele origin: germline.
Comment: In summary, the available evidence is currently insufficient to determine the role of this variant in disease. Therefore, it has been classified as a Variant of Uncertain Significance. Algorithms developed to predict the effect of missense changes on protein structure and function (SIFT, PolyPhen-2, Align-GVGD) all suggest that this variant is likely to be disruptive. This variant has not been reported in the literature in individuals affected with HMCN1-related conditions. This variant is present in population databases (rs780619432, gnomAD 0.003%). This sequence change replaces glycine, which is neutral and non-polar, with serine, which is neutral and polar, at codon 4548 of the HMCN1 protein (p.Gly4548Ser).